The following is an entry in ClinVar:

NM_177438.3(DICER1):c.506T>G (p.Ile169Ser)

Gene: DICER1 (dicer 1, ribonuclease III; minus strand). Cytogenetic location: 14q32.13.
Variant type: single nucleotide variant.
Coding change: c.506T>G on transcript NM_177438.3 (MANE Select); coding-DNA position 506, T replaced by G.
Protein change: p.Ile169Ser; replaces isoleucine 169 with serine.
Molecular consequence: missense variant. On other transcripts: 5 prime UTR variant (1), non-coding transcript variant (6), intron variant (1).
Genome position (GRCh38, 1-based): chr14:95,130,125, A>C on the plus strand (T>G on the coding strand, the complement: DICER1 is on the minus strand). VCF-style: chr14-95130125-A-C. GRCh37 (hg19) VCF-style: chr14-95596462-A-C.
Other names: c.506T>G, p.Ile169Ser (NM_001195573.1, NM_001271282.3, NM_001291628.2 and 15 more transcripts); c.224T>G, p.Ile75Ser (NM_001395686.1); c.101T>G, p.Ile34Ser (NM_001395687.1, NM_001395688.1, NM_001395689.1 and 3 more transcripts); c.-1063T>G (NM_001395697.1); c.-20-42T>G (NM_001395691.1); short protein forms I75S, I169S, I34S.
Identifiers: ClinVar variation 2760246 (VCV002760246.3), dbSNP rs1893828996, ClinGen allele CA390888471.

ClinVar aggregate classification (germline): Uncertain significance (1 of 4 stars; one submission).

Conditions:
DICER1-related tumor predisposition. Also called: DICER1-related pleuropulmonary blastoma cancer predisposition syndrome; DICER1 syndrome. Identifiers: Orphanet 284343, MedGen C3839822, MONDO:0100216.

Submission:

Labcorp Genetics (formerly Invitae), Labcorp
Classification: Uncertain significance for DICER1-related tumor predisposition. Last evaluated: 2023-09-12. Review status: criteria provided, single submitter. Criteria: Invitae Variant Classification Sherloc (09022015). Collection method: clinical testing. Allele origin: germline.
Comment: Advanced modeling of protein sequence and biophysical properties (such as structural, functional, and spatial information, amino acid conservation, physicochemical variation, residue mobility, and thermodynamic stability) has been performed at Invitae for this missense variant, however the output from this modeling did not meet the statistical confidence thresholds required to predict the impact of this variant on DICER1 protein function. In summary, the available evidence is currently insufficient to determine the role of this variant in disease. Therefore, it has been classified as a Variant of Uncertain Significance. This variant has not been reported in the literature in individuals affected with DICER1-related conditions. This variant is not present in population databases (gnomAD no frequency). This sequence change replaces isoleucine, which is neutral and non-polar, with serine, which is neutral and polar, at codon 169 of the DICER1 protein (p.Ile169Ser).